The following is an entry in ClinVar:

NM_003098.3(SNTA1):c.1450A>G (p.Lys484Glu)

Gene: SNTA1 (syntrophin alpha 1; minus strand). Cytogenetic location: 20q11.21.
Variant type: single nucleotide variant.
Coding change: c.1450A>G on transcript NM_003098.3 (MANE Select); coding-DNA position 1450, A replaced by G.
Protein change: p.Lys484Glu; replaces lysine 484 with glutamic acid.
Molecular consequence: missense variant.
Genome position (GRCh38, 1-based): chr20:33,408,575, T>C on the plus strand (A>G on the coding strand, the complement: SNTA1 is on the minus strand). VCF-style: chr20-33408575-T-C. GRCh37 (hg19) VCF-style: chr20-31996381-T-C.
Other names: short protein forms K484E.
Identifiers: ClinVar variation 2562672 (VCV002562672.2), dbSNP rs1267154737, ClinGen allele CA408629998.

ClinVar aggregate classification (germline): Uncertain significance (1 of 4 stars; one submission).

Conditions:
Cardiovascular phenotype. Identifiers: MedGen CN230736.

Allele frequency attached by ClinVar (database versions not stated): gnomAD exomes 0.00001; TOPMed 0.00001.
gnomAD v4.1: 9 of 1,614,144 alleles (0.00056%); highest among the groups gnomAD compares: Non-Finnish European, 0.00076%; no homozygotes.

Submission:

Ambry Genetics
Classification: Uncertain significance for Cardiovascular phenotype. Last evaluated: 2023-03-18. Review status: criteria provided, single submitter. Criteria: Ambry Variant Classification Scheme 2023. Collection method: clinical testing. Allele origin: germline.
Comment: The p.K484E variant (also known as c.1450A>G), located in coding exon 8 of the SNTA1 gene, results from an A to G substitution at nucleotide position 1450. The lysine at codon 484 is replaced by glutamic acid, an amino acid with similar properties. This amino acid position is conserved. In addition, this alteration is predicted to be deleterious by in silico analysis. Since supporting evidence is limited at this time, the clinical significance of this alteration remains unclear.